The following is an entry in ClinVar:

ClinVar aggregate classification (germline): Pathogenic (1 of 4 stars; one submission).

Submission:

GeneDx
Classification: Pathogenic. Last evaluated: 2015-07-28. Review status: criteria provided, single submitter. Criteria: GeneDx Variant Classification (06012015). Collection method: clinical testing. Allele origin: germline. Affected: yes.
Comment: This deletion of one nucleotide in APC is denoted c.5839delA at the cDNA level and p.Thr1947LeufsX23 (T1947LfsX23) at the protein level. The normal sequence, with the base that is deleted in braces, is AGCA[A]CTGA. The deletion causes a frameshift, which changes a Threonine to a Leucine at codon 1947, and creates a premature stop codon at position 23 of the new reading frame. Even though this frameshift occurs in the last exon of the gene, it is significant since the last 897 correct amino acids are replaced by 22 incorrect ones. Although this variant has not, to our knowledge, been reported in the literature, it is expected to eliminate several functional domains (Azzopardi 2008). we consider this variant to be pathogenic.

NM_000038.6(APC):c.5839del (p.Thr1947fs)

Gene: APC (APC regulator of WNT signaling pathway; plus strand). Cytogenetic location: 5q22.2.
Variant type: Deletion.
Coding change: c.5839del on transcript NM_000038.6 (MANE Select); coding-DNA position 5839, one base deleted (A; older notation c.5839delA).
Protein change: p.Thr1947fs; shifts the reading frame from threonine 1947.
Molecular consequence: frameshift variant.
Genome position (GRCh38, 1-based): chr5:112,841,433, A deleted; the last of 2 consecutive A bases (chr5:112,841,432-112,841,433); deleting either gives the same sequence. VCF-style (leftmost placement, unchanged base first): chr5-112841431-CA-C. GRCh37 (hg19) VCF-style: chr5-112177128-CA-C.
Other names: c.5839del, p.Thr1947fs (NM_001127510.3, NM_001354895.2); c.5785del, p.Thr1929fs (NM_001127511.3); c.5893del, p.Thr1965fs (NM_001354896.2); c.5869del, p.Thr1957fs (NM_001354897.2); c.5764del, p.Thr1922fs (NM_001354898.2); c.5755del, p.Thr1919fs (NM_001354899.2); c.5716del, p.Thr1906fs (NM_001354900.2); c.5662del, p.Thr1888fs (NM_001354901.2); and 5 more; short protein forms T1821fs, T1888fs, T1919fs, T1922fs, T1965fs, T1856fs, T1906fs, T1846fs.
Identifiers: ClinVar variation 419580 (VCV000419580.2), dbSNP rs1064793969, ClinGen allele CA16618092.